The following is an entry in ClinVar:

NM_002691.4(POLD1):c.1196A>G (p.Gln399Arg)

Gene: POLD1 (DNA polymerase delta 1, catalytic subunit; plus strand). Cytogenetic location: 19q13.33.
Variant type: single nucleotide variant.
Coding change: c.1196A>G on transcript NM_002691.4 (MANE Select); coding-DNA position 1196, A replaced by G.
Protein change: p.Gln399Arg; replaces glutamine 399 with arginine.
Molecular consequence: missense variant. On other transcripts: non-coding transcript variant (1).
Genome position (GRCh38, 1-based): chr19:50,403,551, A>G. VCF-style: chr19-50403551-A-G. GRCh37 (hg19) VCF-style: chr19-50906808-A-G.
Other names: c.1196A>G, p.Gln399Arg (NM_001256849.1, NM_001308632.1); short protein forms Q399R.
Identifiers: ClinVar variation 2448193 (VCV002448193.6), dbSNP rs2513977247, ClinGen allele CA406978549.

ClinVar aggregate classification (germline): Uncertain significance. Review status: criteria provided, multiple submitters, no conflicts (2 of 4 stars). 2 submissions from 2 submitters: Uncertain significance (2). Last evaluated 2025-06-09.

Conditions:
POLD1-related polyposis and colorectal cancer syndrome (CRCS10). Also called: COLORECTAL CANCER, SUSCEPTIBILITY TO, ON CHROMOSOME 19q; Colorectal cancer 10; Colorectal cancer, susceptibility to, 10. Identifiers: Orphanet 220460, MedGen C2675481, MONDO:0012953, OMIM 612591.
Hereditary cancer-predisposing syndrome. Also called: Neoplastic Syndromes, Hereditary; Tumor predisposition; Hereditary Cancer Syndrome; Hereditary neoplastic syndrome. Identifiers: Orphanet 140162, MedGen C0027672, MeSH D009386, MONDO:0015356.

Allele frequency attached by ClinVar (database versions not stated): gnomAD exomes 0.00001.
gnomAD v4.1: 5 of 1,614,060 alleles (0.00031%); highest among the groups gnomAD compares: South Asian, 0.0011%; no homozygotes.

Submissions (2):

Labcorp Genetics (formerly Invitae), Labcorp
Classification: Uncertain significance for POLD1-related polyposis and colorectal cancer syndrome. Last evaluated: 2025-06-09. Review status: criteria provided, single submitter. Criteria: Invitae Variant Classification Sherloc (09022015). Collection method: clinical testing. Allele origin: germline.
Comment: This sequence change replaces glutamine, which is neutral and polar, with arginine, which is basic and polar, at codon 399 of the POLD1 protein (p.Gln399Arg). This variant is not present in population databases (gnomAD no frequency). This variant has not been reported in the literature in individuals affected with POLD1-related conditions. ClinVar contains an entry for this variant (Variation ID: 2448193). Invitae Evidence Modeling of protein sequence and biophysical properties (such as structural, functional, and spatial information, amino acid conservation, physicochemical variation, residue mobility, and thermodynamic stability) indicates that this missense variant is not expected to disrupt POLD1 protein function with a negative predictive value of 80%. In summary, the available evidence is currently insufficient to determine the role of this variant in disease. Therefore, it has been classified as a Variant of Uncertain Significance.

Ambry Genetics
Classification: Uncertain significance for Hereditary cancer-predisposing syndrome. Last evaluated: 2025-03-07. Review status: criteria provided, single submitter. Criteria: Ambry Variant Classification Scheme 2023. Collection method: clinical testing. Allele origin: germline.
Comment: The p.Q399R variant (also known as c.1196A>G), located in coding exon 9 of the POLD1 gene, results from an A to G substitution at nucleotide position 1196. The glutamine at codon 399 is replaced by arginine, an amino acid with highly similar properties. This amino acid position is highly conserved in available vertebrate species. In addition, this alteration is predicted to be tolerated by in silico analysis. Based on the available evidence, the clinical significance of this variant remains unclear.